The following is an entry in ClinVar:

ClinVar aggregate classification (germline): Uncertain significance. Review status: criteria provided, multiple submitters, no conflicts (2 of 4 stars). 2 submissions from 2 submitters: Uncertain significance (2). Last evaluated 2026-06-08.

Conditions:
KBG syndrome (KBGS). Also called: ANKRD11-Related KBG Syndrome. Identifiers: Orphanet 2332, MedGen C0220687, MONDO:0007846, OMIM 148050.

Allele frequency attached by ClinVar (database versions not stated): ExAC 0.00001.

Submissions (2):

Women's Health and Genetics/Laboratory Corporation of America, LabCorp
Classification: Uncertain significance. Last evaluated: 2026-06-08. Review status: criteria provided, single submitter. Criteria: LabCorp Variant Classification Summary - May 2015. Collection method: clinical testing. Allele origin: germline.
Comment: Variant summary: ANKRD11 c.5055G>T (p.Met1685Ile) results in a conservative amino acid change in the encoded protein sequence. Algorithms developed to predict the effect of missense changes on protein structure and function all suggest that this variant is likely to be tolerated. The variant allele was found at a frequency of 4e-06 in 250978 control chromosomes. The available data on variant occurrences in the general population are insufficient to allow any conclusion about variant significance. To our knowledge, no occurrence of c.5055G>T in individuals affected with ANKRD11-related conditions and no experimental evidence demonstrating its impact on protein function have been reported. ClinVar contains an entry for this variant (Variation ID: 2756816). Based on the evidence outlined above, the variant was classified as uncertain significance.

Labcorp Genetics (formerly Invitae), Labcorp
Classification: Uncertain significance for KBG syndrome. Last evaluated: 2023-09-11. Review status: criteria provided, single submitter. Criteria: Invitae Variant Classification Sherloc (09022015). Collection method: clinical testing. Allele origin: germline.
Comment: This sequence change replaces methionine, which is neutral and non-polar, with isoleucine, which is neutral and non-polar, at codon 1685 of the ANKRD11 protein (p.Met1685Ile). This variant is present in population databases (rs767816242, gnomAD 0.003%). This variant has not been reported in the literature in individuals affected with ANKRD11-related conditions. Advanced modeling of protein sequence and biophysical properties (such as structural, functional, and spatial information, amino acid conservation, physicochemical variation, residue mobility, and thermodynamic stability) performed at Invitae indicates that this missense variant is not expected to disrupt ANKRD11 protein function. In summary, the available evidence is currently insufficient to determine the role of this variant in disease. Therefore, it has been classified as a Variant of Uncertain Significance.

NM_013275.6(ANKRD11):c.5055G>T (p.Met1685Ile)

Gene: ANKRD11 (ankyrin repeat domain 11; minus strand). Cytogenetic location: 16q24.3.
Variant type: single nucleotide variant.
Coding change: c.5055G>T on transcript NM_013275.6 (MANE Select); coding-DNA position 5055, G replaced by T.
Protein change: p.Met1685Ile; replaces methionine 1685 with isoleucine.
Molecular consequence: missense variant.
Genome position (GRCh38, 1-based): chr16:89,281,487, C>A on the plus strand (G>T on the coding strand, the complement: ANKRD11 is on the minus strand). VCF-style: chr16-89281487-C-A. GRCh37 (hg19) VCF-style: chr16-89347895-C-A.
Other names: c.5055G>T, p.Met1685Ile (NM_001256182.2, NM_001256183.2); short protein forms M1685I.
Identifiers: ClinVar variation 2756816 (VCV002756816.5), dbSNP rs767816242, ClinGen allele CA8241967.